The following is an entry in ClinVar:

ClinVar aggregate classification (germline): Uncertain significance. Review status: criteria provided, multiple submitters, no conflicts (2 of 4 stars). 2 submissions from 2 submitters: Uncertain significance (2). Last evaluated 2025-04-18.

Conditions:
Cardiovascular phenotype. Identifiers: MedGen CN230736.
Hereditary cancer-predisposing syndrome. Also called: Neoplastic Syndromes, Hereditary; Tumor predisposition; Hereditary Cancer Syndrome; Hereditary neoplastic syndrome. Identifiers: Orphanet 140162, MedGen C0027672, MeSH D009386, MONDO:0015356.
LZTR1-related schwannomatosis. Also called: Schwannomatosis 2; Schwannomatosis-2, susceptibility to. Identifiers: Orphanet 93921, MedGen C3810283, MONDO:0014299, OMIM 615670.

Allele frequency attached by ClinVar (database versions not stated): gnomAD exomes below 0.00001; ExAC 0.00001.
gnomAD v4.1: 2 of 1,613,578 alleles (0.00012%); highest among the groups gnomAD compares: Middle Eastern, 0.017%; no homozygotes.

Submissions (2):

Ambry Genetics
Classification: Uncertain significance for Cardiovascular phenotype; Hereditary cancer-predisposing syndrome. Last evaluated: 2025-04-18. Review status: criteria provided, single submitter. Criteria: Ambry Variant Classification Scheme 2023. Collection method: clinical testing. Allele origin: germline.
Comment: The p.H430P variant (also known as c.1289A>C), located in coding exon 12 of the LZTR1 gene, results from an A to C substitution at nucleotide position 1289. The histidine at codon 430 is replaced by proline, an amino acid with similar properties. This amino acid position is conserved. In addition, this alteration is predicted to be deleterious by in silico analysis. Based on the available evidence, the clinical significance of this variant remains unclear.

Baylor Genetics
Classification: Uncertain significance for LZTR1-related schwannomatosis. Last evaluated: 2023-06-23. Review status: criteria provided, single submitter. Criteria: ACMG Guidelines, 2015. Collection method: clinical testing. Allele origin: unknown.

NM_006767.4(LZTR1):c.1289A>C (p.His430Pro)

Gene: LZTR1 (leucine zipper like post translational regulator 1; plus strand). Cytogenetic location: 22q11.21.
Variant type: single nucleotide variant.
Coding change: c.1289A>C on transcript NM_006767.4 (MANE Select); coding-DNA position 1289, A replaced by C.
Protein change: p.His430Pro; replaces histidine 430 with proline.
Molecular consequence: missense variant.
Genome position (GRCh38, 1-based): chr22:20,993,690, A>C. VCF-style: chr22-20993690-A-C. GRCh37 (hg19) VCF-style: chr22-21347979-A-C.
Other names: c.1289A>C (NM_006767.3); short protein forms H430P.
Identifiers: ClinVar variation 2676407 (VCV002676407.2), dbSNP rs757718800, ClinGen allele CA10118802.